The following is an entry in ClinVar:

NM_014423.4(AFF4):c.567A>G (p.Ser189=)

Gene: AFF4 (ALF transcription elongation factor 4; minus strand). Cytogenetic location: 5q31.1.
Variant type: single nucleotide variant.
Coding change: c.567A>G on transcript NM_014423.4 (MANE Select); coding-DNA position 567, A replaced by G.
Protein change: p.Ser189=; no amino-acid change (serine 189 retained).
Molecular consequence: synonymous variant.
Genome position (GRCh38, 1-based): chr5:132,934,498, T>C on the plus strand (A>G on the coding strand, the complement: AFF4 is on the minus strand). VCF-style: chr5-132934498-T-C. GRCh37 (hg19) VCF-style: chr5-132270190-T-C.
Identifiers: ClinVar variation 4987105 (VCV004987105.1).

ClinVar aggregate classification (germline): Likely benign (1 of 4 stars; one submission).

Conditions:
AFF4-related disorder. Also called: AFF4-related condition.

gnomAD v4.1: 34 of 1,614,170 alleles (0.0021%); highest among the groups gnomAD compares: East Asian, 0.051%; no homozygotes.

Submission:

PreventionGenetics, part of Exact Sciences
Classification: Likely benign for AFF4-related condition. Last evaluated: 2025-10-28. Review status: criteria provided, single submitter. Criteria: ACMG Guidelines, 2015. Collection method: clinical testing. Allele origin: germline.
Comment: This variant is classified as likely benign based on ACMG/AMP sequence variant interpretation guidelines (Richards et al. 2015 PMID: 25741868, with internal and published modifications).